The following is an entry in ClinVar:

ClinVar aggregate classification (germline): Uncertain significance (1 of 4 stars; one submission).

Conditions:
Deafness-lymphedema-leukemia syndrome. Also called: Lymphedema, primary, with myelodysplasia; Emberger syndrome. Identifiers: Orphanet 3226, MedGen C3279664, MONDO:0013540, OMIM 614038.
Monocytopenia with susceptibility to infections. Also called: MONOCYTOPENIA AND MYCOBACTERIAL INFECTION SYNDROME; MONOCYTOPENIA WITH SUSCEPTIBILITY TO MYCOBACTERIAL, FUNGAL, AND PAPILLOMAVIRUS INFECTIONS AND MYELODYSPLASIA; COMBINED IMMUNODEFICIENCY WITH SUSCEPTIBILITY TO MYCOBACTERIAL, VIRAL, AND FUNGAL INFECTIONS; Dendritic cell, monocyte, B lymphocyte, and natural killer lymphocyte deficiency; IMMUNODEFICIENCY 21; GATA2 DEFICIENCY. Identifiers: Orphanet 228423, MedGen C3280030, MONDO:0013607, OMIM 614172.

Submission:

Labcorp Genetics (formerly Invitae), Labcorp
Classification: Uncertain significance for Monocytopenia with susceptibility to infections; Deafness-lymphedema-leukemia syndrome. Last evaluated: 2024-10-21. Review status: criteria provided, single submitter. Criteria: Invitae Variant Classification Sherloc (09022015). Collection method: clinical testing. Allele origin: germline.
Comment: This sequence change replaces tyrosine, which is neutral and polar, with histidine, which is basic and polar, at codon 314 of the GATA2 protein (p.Tyr314His). This variant is not present in population databases (gnomAD no frequency). This variant has not been reported in the literature in individuals affected with GATA2-related conditions. ClinVar contains an entry for this variant (Variation ID: 2066228). Invitae Evidence Modeling of protein sequence and biophysical properties (such as structural, functional, and spatial information, amino acid conservation, physicochemical variation, residue mobility, and thermodynamic stability) indicates that this missense variant is expected to disrupt GATA2 protein function with a positive predictive value of 80%. In summary, the available evidence is currently insufficient to determine the role of this variant in disease. Therefore, it has been classified as a Variant of Uncertain Significance.

NM_032638.5(GATA2):c.940T>C (p.Tyr314His)

Gene: GATA2 (GATA binding protein 2; minus strand). Cytogenetic location: 3q21.3.
Variant type: single nucleotide variant.
Coding change: c.940T>C on transcript NM_032638.5 (MANE Select); coding-DNA position 940, T replaced by C.
Protein change: p.Tyr314His; replaces tyrosine 314 with histidine.
Molecular consequence: missense variant.
Genome position (GRCh38, 1-based): chr3:128,483,937, A>G on the plus strand (T>C on the coding strand, the complement: GATA2 is on the minus strand). VCF-style: chr3-128483937-A-G. GRCh37 (hg19) VCF-style: chr3-128202780-A-G.
Other names: c.940T>C, p.Tyr314His (NM_001145661.2, NM_001145662.1); short protein forms Y314H.
Identifiers: ClinVar variation 2066228 (VCV002066228.4), dbSNP rs2472924797, ClinGen allele CA354404576.